The following is an entry in ClinVar:

ClinVar aggregate classification (germline): Uncertain significance (1 of 4 stars; one submission).

Conditions:
IFT74-related disorder. Also called: IFT74-Related Disorders; IFT74-related condition.

Submission:

PreventionGenetics, part of Exact Sciences
Classification: Uncertain significance for IFT74-related condition. Last evaluated: 2026-08-12. Review status: criteria provided, single submitter. Criteria: ACMG Guidelines, 2015. Collection method: clinical testing. Allele origin: germline.
Comment: The IFT74 c.1582G>T variant is predicted to result in the amino acid substitution p.Ala528Ser. To our knowledge, this variant has not been reported in the literature or in a large population database (gnomAD), indicating this variant is rare. At this time, the clinical significance of this variant is uncertain due to the absence of conclusive functional and genetic evidence.

NM_025103.4(IFT74):c.1582G>T (p.Ala528Ser)

Gene: IFT74 (intraflagellar transport 74; plus strand). Cytogenetic location: 9p21.2.
Variant type: single nucleotide variant.
Coding change: c.1582G>T on transcript NM_025103.4 (MANE Select); coding-DNA position 1582, G replaced by T.
Protein change: p.Ala528Ser; replaces alanine 528 with serine.
Molecular consequence: missense variant.
Genome position (GRCh38, 1-based): chr9:27,056,418, G>T. VCF-style: chr9-27056418-G-T. GRCh37 (hg19) VCF-style: chr9-27056416-G-T.
Other names: c.1582G>T, p.Ala528Ser (NM_001099222.3, NM_001099223.3, NM_001349928.2); short protein forms A528S.
Identifiers: ClinVar variation 4982093 (VCV004982093.1).